The following is an entry in ClinVar:

NM_001165978.3(PROM2):c.2370C>A (p.Phe790Leu)

Gene: PROM2 (prominin 2; plus strand). Cytogenetic location: 2q11.1.
Variant type: single nucleotide variant.
Coding change: c.2370C>A on transcript NM_001165978.3 (MANE Select); coding-DNA position 2370, C replaced by A.
Protein change: p.Phe790Leu; replaces phenylalanine 790 with leucine.
Molecular consequence: missense variant.
Genome position (GRCh38, 1-based): chr2:95,288,518, C>A. VCF-style: chr2-95288518-C-A. GRCh37 (hg19) VCF-style: chr2-95954266-C-A.
Other names: c.2370C>A, p.Phe790Leu (NM_001165977.3, NM_144707.4); c.1332C>A, p.Phe444Leu (NM_001321070.2); short protein forms F444L, F790L.
Identifiers: ClinVar variation 2651119 (VCV002651119.24), dbSNP rs147967943, ClinGen allele CA1771864.
Genomic context (GRCh38, chr2:95,288,518, plus strand): 5'-GAGCCGACCTCACGCCTTGTTGCAGAATGCCTTCTGGTTCTGCCTGGCATGGTGCACCTT[C>A]TTCCTGATCCCCAGCATCATCTTTGCCGTCAAGACCTCCAAATACTTCCGTCCTATCCGG-3'
Protein context (NP_001159450.1, residues 780-800): AFWFCLAWCT[Phe790Leu]FLIPSIIFAV

ClinVar aggregate classification (germline): Likely benign (1 of 4 stars; one submission).

Allele frequency attached by ClinVar (database versions not stated): 1000 Genomes Project 30x 0.00047; 1000 Genomes Project 0.00060; TOPMed 0.00110; ESP Exome Variant Server 0.00146; gnomAD exomes 0.00159; gnomAD 0.00222; ExAC 0.00242.
gnomAD v4.1: 2,657 of 1,614,228 alleles (0.16%); highest among the groups gnomAD compares: Non-Finnish European, 0.17%; 15 homozygotes.

Submission:

CeGaT Center for Human Genetics Tuebingen
Classification: Likely benign. Last evaluated: 2022-12-01. Review status: criteria provided, single submitter. Criteria: CeGaT Center For Human Genetics Tuebingen Variant Classification Criteria Version 2. Collection method: clinical testing. Allele origin: germline. Affected: yes. Observed: 1 variant allele.
Comment: PROM2: BS2